The following is an entry in ClinVar:

ClinVar aggregate classification (germline): Likely benign. Review status: criteria provided, multiple submitters, no conflicts (2 of 4 stars). 3 submissions from 3 submitters: Likely benign (3). Last evaluated 2025-12-29.

Allele frequency attached by ClinVar (database versions not stated): gnomAD exomes 0.00004 and 0.00006; gnomAD 0.00005 and 0.00006; TOPMed 0.00005; ExAC 0.00006.
gnomAD v4.1: 66 of 1,613,062 alleles (0.0041%); highest among the groups gnomAD compares: East Asian, 0.011%; no homozygotes.

Submissions (3):

Labcorp Genetics (formerly Invitae), Labcorp
Classification: Likely benign. Last evaluated: 2025-12-29. Review status: criteria provided, single submitter. Criteria: Invitae Variant Classification Sherloc (09022015). Collection method: clinical testing. Allele origin: germline.

CeGaT Center for Human Genetics Tuebingen
Classification: Likely benign. Last evaluated: 2025-10-01. Review status: criteria provided, single submitter. Criteria: CeGaT Center For Human Genetics Tuebingen Variant Classification Criteria Version 2. Collection method: clinical testing. Allele origin: germline. Affected: yes. Observed: 1 variant allele.
Comment: CLCN7: BP4, BP7

Blueprint Genetics
Classification: Likely benign. Last evaluated: 2024-11-15. Review status: criteria provided, single submitter. Criteria: ACMG Guidelines, 2015. Collection method: clinical testing. Allele origin: germline.

NM_001287.6(CLCN7):c.642C>T (p.Asn214=)

Gene: CLCN7 (Cl-/H+ antiporter 7; minus strand). Cytogenetic location: 16p13.3.
Variant type: single nucleotide variant.
Coding change: c.642C>T on transcript NM_001287.6 (MANE Select); coding-DNA position 642, C replaced by T.
Protein change: p.Asn214=; no amino-acid change (asparagine 214 retained).
Molecular consequence: synonymous variant.
Genome position (GRCh38, 1-based): chr16:1,459,140, G>A on the plus strand (C>T on the coding strand, the complement: CLCN7 is on the minus strand). VCF-style: chr16-1459140-G-A. GRCh37 (hg19) VCF-style: chr16-1509141-G-A.
Other names: c.570C>T, p.Asn190= (NM_001114331.3).
Identifiers: ClinVar variation 1604526 (VCV001604526.15), dbSNP rs751355897, ClinGen allele CA7810681.
Genomic context (GRCh38, chr16:1,459,140, plus strand): 5'-GCCCAGCCAGGGCCACCGCACCCTCACCTTGAGCCGCACCACGTGGGGGATCTTCACCCC[G>A]TTGAGGAAGCACTTGATCTGGGGGATTCCGCTGCCAGCAGCCACCGGCTGAAAGAGGGGA-3'
Protein context (NP_001278.1, residues 204-224): SGIPQIKCFL[Asn214=]GVKIPHVVRL